The following is an entry in ClinVar:

ClinVar aggregate classification (germline): Conflicting classifications of pathogenicity. Review status: criteria provided, conflicting classifications (1 of 4 stars). 19 submissions from 19 submitters: Uncertain significance (1); Benign (4); Likely benign (12). 2 of the submissions do not count toward it. Last evaluated 2026-09-01.

Conditions:
ATM-related disorder. Also called: ATM-related disorders; ATM-related condition.
Familial colorectal cancer type X. Identifiers: Orphanet 440437, MedGen C3896578, MONDO:0018604.
Hereditary cancer-predisposing syndrome. Also called: Hereditary Cancer Syndrome; Tumor predisposition; Neoplastic Syndromes, Hereditary; Hereditary neoplastic syndrome. Identifiers: Orphanet 140162, MedGen C0027672, MeSH D009386, MONDO:0015356.
Familial cancer of breast. Also called: hereditary breast carcinoma; BREAST CANCER, FAMILIAL; Hereditary breast cancer. Identifiers: Orphanet 227535, MedGen C0346153, MONDO:0016419, OMIM 114480. Disease mechanism: loss of function.
Ataxia-telangiectasia syndrome (AT). Also called: ATAXIA-TELANGIECTASIA, COMPLEMENTATION GROUP A; ATAXIA-TELANGIECTASIA, FRESNO VARIANT; Ataxia-telangiectasia; Ataxia-telangiectasia, complementation group E; Cerebello-oculocutaneous telangiectasia; Immunodeficiency with ataxia telangiectasia. Identifiers: Orphanet 100, MedGen C0004135, MONDO:0008840, OMIM 208900.

Allele frequency attached by ClinVar (database versions not stated): ExAC 0.00009; gnomAD 0.00010 and 0.00009; gnomAD exomes 0.00004 and 0.00011; TOPMed 0.00025.
gnomAD v4.1: 82 of 1,612,714 alleles (0.0051%); highest among the groups gnomAD compares: Middle Eastern, 0.082%; 1 homozygote.

Submissions (19):

CeGaT Center for Human Genetics Tuebingen
Classification: Likely benign. Last evaluated: 2026-09-01. Review status: criteria provided, single submitter. Criteria: CeGaT Center For Human Genetics Tuebingen Variant Classification Criteria Version 2. Collection method: clinical testing. Allele origin: germline. Affected: yes. Observed: 2 variant alleles.
Comment: ATM: BP4, BP7

Labcorp Genetics (formerly Invitae), Labcorp
Classification: Benign for Ataxia-telangiectasia syndrome. Last evaluated: 2026-01-24. Review status: criteria provided, single submitter. Criteria: Invitae Variant Classification Sherloc (09022015). Collection method: clinical testing. Allele origin: germline.

Women's Health and Genetics/Laboratory Corporation of America, LabCorp
Classification: Benign. Last evaluated: 2025-12-20. Review status: criteria provided, single submitter. Criteria: LabCorp Variant Classification Summary - May 2015. Collection method: clinical testing. Allele origin: germline.

Quest Diagnostics Nichols Institute San Juan Capistrano
Classification: Likely benign. Last evaluated: 2025-04-30. Review status: criteria provided, single submitter. Criteria: Quest Diagnostics criteria. Collection method: clinical testing. Allele origin: unknown.

Blueprint Genetics
Classification: Likely benign. Last evaluated: 2024-07-26. Review status: criteria provided, single submitter. Criteria: ACMG Guidelines, 2015. Collection method: clinical testing. Allele origin: germline.

Myriad Genetics, Inc.
Classification: Benign for Familial cancer of breast. Last evaluated: 2024-06-06. Review status: criteria provided, single submitter. Criteria: Myriad Autosomal Dominant, Autosomal Recessive and X-Linked Classification Criteria (2023). Collection method: clinical testing. Allele origin: unknown.
Comment: This variant is considered benign. This variant is a silent/synonymous amino acid change and it is not expected to impact splicing.

Institute for Biomarker Research, Medical Diagnostic Laboratories, L.L.C.
Classification: Likely benign for Hereditary cancer-predisposing syndrome. Last evaluated: 2024-04-02. Review status: criteria provided, single submitter. Criteria: ACMG Guidelines, 2015. Collection method: clinical testing. Allele origin: germline.

Department of Pathology and Laboratory Medicine, Sinai Health System
Classification: Likely benign for Familial colorectal cancer type X. Last evaluated: 2022-05-03. Review status: criteria provided, single submitter. Criteria: ACMG Guidelines, 2015. Collection method: clinical testing. Allele origin: germline. Affected: yes.

Sema4
Classification: Likely benign for Hereditary cancer-predisposing syndrome. Last evaluated: 2021-07-13. Review status: criteria provided, single submitter. Criteria: Sema4 Curation Guidelines. Collection method: curation. Allele origin: germline.

Pars Genome Lab
Classification: Likely benign for Ataxia-telangiectasia syndrome. Last evaluated: 2021-05-18. Review status: criteria provided, single submitter. Criteria: ACMG Guidelines, 2015. Collection method: clinical testing. Allele origin: germline. Affected: no.

Athena Diagnostics
Classification: Likely benign. Last evaluated: 2020-09-23. Review status: criteria provided, single submitter. Criteria: Athena Diagnostics criteria. Collection method: clinical testing. Allele origin: unknown.

Genetic Services Laboratory, University of Chicago
Classification: Likely benign. Last evaluated: 2020-02-05. Review status: criteria provided, single submitter. Criteria: ACMG Guidelines, 2015. Collection method: clinical testing. Allele origin: germline. Affected: no.

ARUP Laboratories, Molecular Genetics and Genomics, ARUP Laboratories
Classification: Likely benign for Ataxia-telangiectasia syndrome. Last evaluated: 2019-05-17. Review status: criteria provided, single submitter. Criteria: ARUP Molecular Germline Variant Investigation Process. Collection method: clinical testing. Allele origin: germline.

Illumina Laboratory Services, Illumina
Classification: Uncertain significance for Ataxia-telangiectasia syndrome. Last evaluated: 2018-01-12. Review status: criteria provided, single submitter. Criteria: ICSL Variant Classification Criteria 13 December 2019. Collection method: clinical testing. Allele origin: germline.

Color Diagnostics, LLC DBA Color Health
Classification: Likely benign for Hereditary cancer-predisposing syndrome. Last evaluated: 2016-10-17. Review status: criteria provided, single submitter. Criteria: ACMG Guidelines, 2015. Collection method: clinical testing. Allele origin: germline.

GeneDx
Classification: Benign. Last evaluated: 2015-04-15. Review status: criteria provided, single submitter. Criteria: GeneDx Variant Classification (06012015). Collection method: clinical testing. Allele origin: germline. Affected: yes.
Comment: This variant is considered likely benign or benign based on one or more of the following criteria: it is a conservative change, it occurs at a poorly conserved position in the protein, it is predicted to be benign by multiple in silico algorithms, and/or has population frequency not consistent with disease.

Ambry Genetics
Classification: Likely benign for Hereditary cancer-predisposing syndrome. Last evaluated: 2014-10-10. Review status: criteria provided, single submitter. Criteria: Ambry Variant Classification Scheme 2023. Collection method: clinical testing. Allele origin: germline.

Natera, Inc.
Classification: Likely benign for Ataxia-telangiectasia. Last evaluated: 2020-01-16. Review status: no assertion criteria provided. Collection method: clinical testing. Allele origin: germline. Not counted in ClinVar's aggregate classification.

PreventionGenetics, part of Exact Sciences
Classification: Likely benign for ATM-related condition. Last evaluated: 2019-05-18. Review status: no assertion criteria provided. Collection method: clinical testing. Allele origin: germline. Not counted in ClinVar's aggregate classification.
Comment: This variant is classified as likely benign based on ACMG/AMP sequence variant interpretation guidelines (Richards et al. 2015 PMID: 25741868, with internal and published modifications).

Literature cited by the submitters: PubMed 28076423 (cited by Athena Diagnostics).

NM_000051.4(ATM):c.6382T>C (p.Leu2128=)

Genes: ATM (ATM serine/threonine kinase; plus strand), C11orf65 (chromosome 11 open reading frame 65; minus strand). Cytogenetic location: 11q22.3.
Variant type: single nucleotide variant.
Coding change: c.6382T>C on transcript NM_000051.4 (MANE Select); coding-DNA position 6382, T replaced by C.
Protein change: p.Leu2128=; no amino-acid change (leucine 2128 retained).
Molecular consequence: synonymous variant. On other transcripts: intron variant (2).
Genome position (GRCh38, 1-based): chr11:108,319,988, T>C. VCF-style: chr11-108319988-T-C. GRCh37 (hg19) VCF-style: chr11-108190715-T-C.
Other names: c.6382T>C, p.Leu2128= (NM_001351834.2); c.641-10917A>G (NM_001330368.2); c.*39-10917A>G (NM_001351110.2).
Identifiers: ClinVar variation 186642 (VCV000186642.52), dbSNP rs753646931, ClinGen allele CA195413.